The following is an entry in ClinVar:

ClinVar aggregate classification (germline): Uncertain significance (1 of 4 stars; one submission).

Conditions:
Inborn genetic diseases. Identifiers: MedGen C0950123, MeSH D030342.

Allele frequency attached by ClinVar (database versions not stated): gnomAD 0.00001; TOPMed 0.00002; 1000 Genomes Project 0.00020; 1000 Genomes Project 30x 0.00031.

Submission:

Ambry Genetics
Classification: Uncertain significance for Inborn genetic diseases. Last evaluated: 2024-12-02. Review status: criteria provided, single submitter. Criteria: Ambry Variant Classification Scheme 2023. Collection method: clinical testing. Allele origin: germline.
Comment: The p.R225P variant (also known as c.674G>C), located in coding exon 1 of the SH2B3 gene, results from a G to C substitution at nucleotide position 674. The arginine at codon 225 is replaced by proline, an amino acid with dissimilar properties. This amino acid position is conserved. In addition, the in silico prediction for this alteration is inconclusive. Based on the available evidence, the clinical significance of this variant remains unclear.

NM_005475.3(SH2B3):c.674G>C (p.Arg225Pro)

Gene: SH2B3 (SH2B adaptor protein 3; plus strand). Cytogenetic location: 12q24.12.
Variant type: single nucleotide variant.
Coding change: c.674G>C on transcript NM_005475.3 (MANE Select); coding-DNA position 674, G replaced by C.
Protein change: p.Arg225Pro; replaces arginine 225 with proline.
Molecular consequence: missense variant.
Genome position (GRCh38, 1-based): chr12:111,418,819, G>C. VCF-style: chr12-111418819-G-C. GRCh37 (hg19) VCF-style: chr12-111856623-G-C.
Other names: short protein forms R225P.
Identifiers: ClinVar variation 2533578 (VCV002533578.3), dbSNP rs550280553, ClinGen allele CA243602911.